The following is an entry in ClinVar:

ClinVar aggregate classification (germline): Uncertain significance. Review status: criteria provided, multiple submitters, no conflicts (2 of 4 stars). 2 submissions from 2 submitters: Uncertain significance (2). Last evaluated 2025-01-09.

Conditions:
Classic or attenuated familial adenomatous polyposis. Identifiers: MedGen CN372698, MONDO:0021057.
Hereditary cancer-predisposing syndrome. Also called: Neoplastic Syndromes, Hereditary; Tumor predisposition; Hereditary neoplastic syndrome; Hereditary Cancer Syndrome. Identifiers: Orphanet 140162, MedGen C0027672, MeSH D009386, MONDO:0015356.

Submissions (2):

Ambry Genetics
Classification: Uncertain significance for Hereditary cancer-predisposing syndrome. Last evaluated: 2025-01-09. Review status: criteria provided, single submitter. Criteria: Ambry Variant Classification Scheme 2023. Collection method: clinical testing. Allele origin: germline.
Comment: The p.D989E variant (also known as c.2967T>G), located in coding exon 15 of the APC gene, results from a T to G substitution at nucleotide position 2967. The aspartic acid at codon 989 is replaced by glutamic acid, an amino acid with highly similar properties. This amino acid position is conserved. In addition, in silico predictors for this gene do not accurately predict pathogenicity. Based on the available evidence, the clinical significance of this variant remains unclear.

All of Us Research Program, National Institutes of Health
Classification: Uncertain significance for Classic or attenuated familial adenomatous polyposis. Last evaluated: 2024-03-24. Review status: criteria provided, single submitter. Criteria: ACMG Guidelines, 2015. Collection method: clinical testing. Allele origin: germline. Inheritance: Autosomal dominant inheritance. Observed: 2 variant alleles, 2 heterozygotes.
Comment: This missense variant replaces aspartic acid with glutamic acid at codon 989 of the APC protein. Computational prediction suggests that this variant may not impact protein structure and function (internally defined REVEL score threshold <= 0.5, PMID: 27666373). To our knowledge, functional studies have not been reported for this variant. This variant has not been reported in individuals affected with APC-related disorders in the literature. This variant has not been identified in the general population by the Genome Aggregation Database (gnomAD). The available evidence is insufficient to determine the role of this variant in disease conclusively. Therefore, this variant is classified as a Variant of Uncertain Significance.

This study involves interpretation of variants in research participants for the purpose of population health screening. Participant phenotype was not available at the time of variant classification. Additional details can be found in publication PMID: 35346344, PMCID: PMC8962531

NM_000038.6(APC):c.2967T>G (p.Asp989Glu)

Gene: APC (APC regulator of Wnt signaling pathway; plus strand). Cytogenetic location: 5q22.2.
Variant type: single nucleotide variant.
Coding change: c.2967T>G on transcript NM_000038.6 (MANE Select); coding-DNA position 2967, T replaced by G.
Protein change: p.Asp989Glu; replaces aspartic acid 989 with glutamic acid.
Molecular consequence: missense variant. On other transcripts: non-coding transcript variant (2).
Genome position (GRCh38, 1-based): chr5:112,838,561, T>G. VCF-style: chr5-112838561-T-G. GRCh37 (hg19) VCF-style: chr5-112174258-T-G.
Other names: c.2967T>G, p.Asp989Glu (NM_001127510.3, NM_001354895.2, NM_001407450.1); c.2913T>G, p.Asp971Glu (NM_001127511.3); c.3021T>G, p.Asp1007Glu (NM_001354896.2, NM_001407447.1, NM_001407448.1 and 1 more transcripts); c.2997T>G, p.Asp999Glu (NM_001354897.2); c.2892T>G, p.Asp964Glu (NM_001354898.2); c.2883T>G, p.Asp961Glu (NM_001354899.2); c.2844T>G, p.Asp948Glu (NM_001354900.2); c.2790T>G, p.Asp930Glu (NM_001354901.2, NM_001407453.1); and 12 more; short protein forms D1007E, D1017E, D605E, D706E, D829E, D860E, D863E, D888E.
Identifiers: ClinVar variation 3075521 (VCV003075521.3), dbSNP rs2149881287, ClinGen allele CA16027815.
Genomic context (GRCh38, chr5:112,838,561, plus strand): 5'-TAGTGATGGTTATGGTAAAAGAGGTCAAATGAAACCCTCGATTGAATCCTATTCTGAAGA[T>G]GATGAAAGTAAGTTTTGCAGTTATGGTCAATACCCAGCCGACCTAGCCCATAAAATACAT-3'
Protein context (NP_000029.2, residues 979-999): MKPSIESYSE[Asp989Glu]DESKFCSYGQ